The following is an entry in ClinVar:

ClinVar aggregate classification (germline): Conflicting classifications of pathogenicity. Review status: criteria provided, conflicting classifications (1 of 4 stars). 3 submissions from 3 submitters: Uncertain significance (2); Likely benign (1). Last evaluated 2026-09-16.

Conditions:
Malignant hyperthermia, susceptibility to, 5 (MHS5). Also called: CACNA1S-Related Malignant Hyperthermia Susceptibility. Identifiers: Orphanet 423, MedGen C1866077, MONDO:0011163, OMIM 601887.
Hypokalemic periodic paralysis, type 1. Also called: Hypokalemic Periodic Paralysis Type 1 (AD); HypoPP. Identifiers: Orphanet 681, MedGen C3714580, MONDO:0042979, OMIM 170400.

Allele frequency attached by ClinVar (database versions not stated): gnomAD 0.00004 and 0.00003; TOPMed 0.00009; gnomAD exomes 0.00002; ExAC 0.00003; ESP Exome Variant Server 0.00008.
gnomAD v4.1: 11 of 1,609,200 alleles (0.00068%); highest among the groups gnomAD compares: African/African-American, 0.015%; no homozygotes.

Submissions (3):

GeneDx
Classification: Uncertain significance. Last evaluated: 2026-09-16. Review status: criteria provided, single submitter. Criteria: GeneDx Variant Classification Process June 2021. Collection method: clinical testing. Allele origin: germline.
Comment: Has not been previously published as pathogenic or benign to our knowledge; In silico analysis is inconclusive as to whether the variant alters gene splicing. In the absence of RNA/functional studies, the actual effect of this sequence change is unknown.

All of Us Research Program, National Institutes of Health
Classification: Likely benign for Malignant hyperthermia, susceptibility to, 5. Last evaluated: 2023-05-30. Review status: criteria provided, single submitter. Criteria: ACMG Guidelines, 2015. Collection method: clinical testing. Allele origin: germline. Inheritance: Autosomal dominant inheritance. Observed: 2 variant alleles, 2 heterozygotes.
Comment: This study involves interpretation of variants in research participants for the purpose of population health screening. Participant phenotype was not available at the time of variant classification. Additional details can be found in publication PMID: 35346344, PMCID: PMC8962531

Labcorp Genetics (formerly Invitae), Labcorp
Classification: Uncertain significance for Hypokalemic periodic paralysis, type 1; Malignant hyperthermia, susceptibility to, 5. Last evaluated: 2021-12-01. Review status: criteria provided, single submitter. Criteria: Invitae Variant Classification Sherloc (09022015). Collection method: clinical testing. Allele origin: germline.
Comment: This sequence change falls in intron 40 of the CACNA1S gene. It does not directly change the encoded amino acid sequence of the CACNA1S protein. This variant is present in population databases (rs372192645, gnomAD 0.03%). This variant has not been reported in the literature in individuals affected with CACNA1S-related conditions. Algorithms developed to predict the effect of sequence changes on RNA splicing suggest that this variant may disrupt the consensus splice site. In summary, the available evidence is currently insufficient to determine the role of this variant in disease. Therefore, it has been classified as a Variant of Uncertain Significance.

NM_000069.3(CACNA1S):c.5049-6T>C

Gene: CACNA1S (calcium voltage-gated channel subunit alpha1 S; minus strand). Cytogenetic location: 1q32.1.
Variant type: single nucleotide variant.
Coding change: c.5049-6T>C on transcript NM_000069.3 (MANE Select); 6 bases into the intron before coding-DNA position 5049, T replaced by C.
Molecular consequence: intron variant.
Genome position (GRCh38, 1-based): chr1:201,041,595, A>G on the plus strand (T>C on the coding strand, the complement: CACNA1S is on the minus strand). VCF-style: chr1-201041595-A-G. GRCh37 (hg19) VCF-style: chr1-201010723-A-G.
Identifiers: ClinVar variation 1424492 (VCV001424492.6), dbSNP rs372192645, ClinGen allele CA083709.